The following is an entry in ClinVar:

NM_145290.4(ADGRA3):c.3494A>C (p.Asn1165Thr)

Gene: ADGRA3 (adhesion G protein-coupled receptor A3; minus strand). Cytogenetic location: 4p15.2.
Variant type: single nucleotide variant.
Coding change: c.3494A>C on transcript NM_145290.4 (MANE Select); coding-DNA position 3494, A replaced by C.
Protein change: p.Asn1165Thr; replaces asparagine 1165 with threonine.
Molecular consequence: missense variant.
Genome position (GRCh38, 1-based): chr4:22,388,177, T>G on the plus strand (A>C on the coding strand, the complement: ADGRA3 is on the minus strand). VCF-style: chr4-22388177-T-G. GRCh37 (hg19) VCF-style: chr4-22389800-T-G.
Other names: c.3494A>C (NM_145290.2); short protein forms N1165T.
Identifiers: ClinVar variation 2779270 (VCV002779270.4), dbSNP rs1713927533, ClinGen allele CA356472317.

ClinVar aggregate classification (germline): Uncertain significance. Review status: criteria provided, multiple submitters, no conflicts (2 of 4 stars). 2 submissions from 2 submitters: Uncertain significance (2). Last evaluated 2025-10-08.

Allele frequency attached by ClinVar (database versions not stated): TOPMed below 0.00001; gnomAD exomes below 0.00001.
gnomAD v4.1: 1 of 1,614,110 alleles (0.000062%); highest among the groups gnomAD compares: Non-Finnish European, 0.000085%; no homozygotes.

Submissions (2):

Ambry Genetics
Classification: Uncertain significance. Last evaluated: 2025-10-08. Review status: criteria provided, single submitter. Criteria: Ambry Variant Classification Scheme 2023. Collection method: clinical testing. Allele origin: germline.

Labcorp Genetics (formerly Invitae), Labcorp
Classification: Uncertain significance. Last evaluated: 2025-06-22. Review status: criteria provided, single submitter. Criteria: Invitae Variant Classification Sherloc (09022015). Collection method: clinical testing. Allele origin: germline.
Comment: This sequence change replaces asparagine, which is neutral and polar, with threonine, which is neutral and polar, at codon 1165 of the ADGRA3 protein (p.Asn1165Thr). This variant is not present in population databases (gnomAD no frequency). This variant has not been reported in the literature in individuals affected with ADGRA3-related conditions. ClinVar contains an entry for this variant (Variation ID: 2779270). An algorithm developed to predict the effect of missense changes on protein structure and function (PolyPhen-2) suggests that this variant is likely to be tolerated. In summary, the available evidence is currently insufficient to determine the role of this variant in disease. Therefore, it has been classified as a Variant of Uncertain Significance.